The following is an entry in ClinVar:

NM_001673.5(ASNS):c.758T>G (p.Ile253Ser)

Genes: ASNS (asparagine synthetase (glutamine-hydrolyzing); minus strand), CZ1P-ASNS (CZ1P-ASNS readthrough; minus strand). Cytogenetic location: 7q21.3.
Variant type: single nucleotide variant.
Coding change: c.758T>G on transcript NM_001673.5 (MANE Select); coding-DNA position 758, T replaced by G.
Protein change: p.Ile253Ser; replaces isoleucine 253 with serine.
Molecular consequence: missense variant. On other transcripts: non-coding transcript variant (1).
Genome position (GRCh38, 1-based): chr7:97,858,871, A>C on the plus strand (T>G on the coding strand, the complement: ASNS is on the minus strand). VCF-style: chr7-97858871-A-C. GRCh37 (hg19) VCF-style: chr7-97488183-A-C.
Other names: c.695T>G, p.Ile232Ser (NM_001178075.2); c.509T>G, p.Ile170Ser (NM_001178076.2, NM_001178077.1); c.758T>G, p.Ile253Ser (NM_001352496.2, NM_133436.3, NM_183356.4); short protein forms I253S, I170S, I232S.
Identifiers: ClinVar variation 1396316 (VCV001396316.6), dbSNP rs761044095, ClinGen allele CA4354701.

ClinVar aggregate classification (germline): Uncertain significance. Review status: criteria provided, multiple submitters, no conflicts (2 of 4 stars). 3 submissions from 3 submitters: Uncertain significance (3). Last evaluated 2023-04-07.

Allele frequency attached by ClinVar (database versions not stated): ExAC 0.00001; gnomAD exomes 0.00001; TOPMed 0.00002.
gnomAD v4.1: 16 of 1,612,542 alleles (0.00099%); highest among the groups gnomAD compares: Admixed American, 0.0017%; no homozygotes.

Submissions (3):

GeneDx
Classification: Uncertain significance. Last evaluated: 2023-04-07. Review status: criteria provided, single submitter. Criteria: GeneDx Variant Classification Process June 2021. Collection method: clinical testing. Allele origin: germline. Affected: yes.
Comment: Not observed at significant frequency in large population cohorts (gnomAD); In silico analysis supports that this missense variant has a deleterious effect on protein structure/function; This variant is associated with the following publications: (PMID: 30315573)

Women's Health and Genetics/Laboratory Corporation of America, LabCorp
Classification: Uncertain significance. Last evaluated: 2022-08-10. Review status: criteria provided, single submitter. Criteria: LabCorp Variant Classification Summary - May 2015. Collection method: clinical testing. Allele origin: germline.
Comment: Variant summary: ASNS c.758T>G (p.Ile253Ser) results in a non-conservative amino acid change located in the Asparagine synthase domain (IPR001962) of the encoded protein sequence. Four of five in-silico tools predict a damaging effect of the variant on protein function. The variant allele was found at a frequency of 8e-06 in 249348 control chromosomes (gnomAD). c.758T>G has been reported in the literature in a homozygous individual affected with developmental disorder with features including microcephaly, seizures, facial dysmorphism, hyperreflexia, agression, abnormal gait, no urinary involvement, anemia, normal cerebellum and small corpus callosum (Kahrizi_2019). These data indicate that the variant may be associated with disease. To our knowledge, no experimental evidence demonstrating an impact on protein function has been reported. A ClinVar submitter (evaluation after 2014) cites the variant as uncertain significance. Based on the evidence outlined above, the variant was classified as VUS-possibly pathogenic.

Labcorp Genetics (formerly Invitae), Labcorp
Classification: Uncertain significance. Last evaluated: 2021-08-30. Review status: criteria provided, single submitter. Criteria: Invitae Variant Classification Sherloc (09022015). Collection method: clinical testing. Allele origin: germline.
Comment: This sequence change replaces isoleucine with serine at codon 253 of the ASNS protein (p.Ile253Ser). The isoleucine residue is highly conserved and there is a large physicochemical difference between isoleucine and serine. This variant is present in population databases (rs761044095, ExAC 0.01%). This missense change has been observed in individual(s) with intellectual disability (PMID: 30315573). Advanced modeling of protein sequence and biophysical properties (such as structural, functional, and spatial information, amino acid conservation, physicochemical variation, residue mobility, and thermodynamic stability) performed at Invitae indicates that this missense variant is expected to disrupt ASNS protein function. In summary, the available evidence is currently insufficient to determine the role of this variant in disease. Therefore, it has been classified as a Variant of Uncertain Significance.

Literature cited by the submitters: PubMed 30315573 (cited by Women's Health and Genetics/Laboratory Corporation of America, LabCorp and Labcorp Genetics (formerly Invitae), Labcorp).